The following is an entry in ClinVar:

NM_000548.5(TSC2):c.5303T>C (p.Val1768Ala)

Gene: TSC2 (TSC complex subunit 2; plus strand). Cytogenetic location: 16p13.3.
Variant type: single nucleotide variant.
Coding change: c.5303T>C on transcript NM_000548.5 (MANE Select); coding-DNA position 5303, T replaced by C.
Protein change: p.Val1768Ala; replaces valine 1768 with alanine.
Molecular consequence: missense variant.
Genome position (GRCh38, 1-based): chr16:2,088,489, T>C. VCF-style: chr16-2088489-T-C. GRCh37 (hg19) VCF-style: chr16-2138490-T-C.
Other names: c.5102T>C, p.Val1701Ala (NM_001077183.3); c.5234T>C, p.Val1745Ala (NM_001114382.3); c.4994T>C, p.Val1665Ala (NM_001318827.2); c.4958T>C, p.Val1653Ala (NM_001318829.2); c.4571T>C, p.Val1524Ala (NM_001318831.2); c.5135T>C, p.Val1712Ala (NM_001318832.2); c.5105T>C, p.Val1702Ala (NM_001363528.2); c.5171T>C, p.Val1724Ala (NM_001370404.1); and 3 more; short protein forms V1653A, V1665A, V1725A, V1701A, V1724A, V1702A, V1712A, V1721A.
Identifiers: ClinVar variation 1433456 (VCV001433456.10), dbSNP rs1171556696, ClinGen allele CA394315367.

ClinVar aggregate classification (germline): Uncertain significance. Review status: criteria provided, multiple submitters, no conflicts (2 of 4 stars). 3 submissions from 3 submitters: Uncertain significance (3). Last evaluated 2026-04-04.

Conditions:
Tuberous sclerosis 2 (TSC2). Identifiers: Orphanet 805, MedGen C1860707, MONDO:0013199, OMIM 613254.
Hereditary cancer-predisposing syndrome. Also called: Tumor predisposition; Neoplastic Syndromes, Hereditary; Hereditary Cancer Syndrome; Hereditary neoplastic syndrome. Identifiers: Orphanet 140162, MedGen C0027672, MeSH D009386, MONDO:0015356.
Tuberous sclerosis syndrome (TSC). Also called: Tuberous Sclerosis Complex; Tuberous sclerosis. Identifiers: Orphanet 805, MedGen C0041341, MONDO:0001734.

gnomAD v4.1: 2 of 1,612,788 alleles (0.00012%); highest among the groups gnomAD compares: South Asian, 0.0011%; no homozygotes.

Submissions (3):

Ambry Genetics
Classification: Uncertain significance for Hereditary cancer-predisposing syndrome. Last evaluated: 2026-04-04. Review status: criteria provided, single submitter. Criteria: Ambry Variant Classification Scheme 2023. Collection method: clinical testing. Allele origin: germline.
Comment: The p.V1768A variant (also known as c.5303T>C), located in coding exon 41 of the TSC2 gene, results from a T to C substitution at nucleotide position 5303. The valine at codon 1768 is replaced by alanine, an amino acid with similar properties. This amino acid position is conserved. In addition, this alteration is predicted to be tolerated by in silico analysis. Based on the available evidence, the clinical significance of this variant remains unclear.

All of Us Research Program, National Institutes of Health
Classification: Uncertain significance for Tuberous sclerosis syndrome. Last evaluated: 2023-08-23. Review status: criteria provided, single submitter. Criteria: ACMG Guidelines, 2015. Collection method: clinical testing. Allele origin: germline. Inheritance: Autosomal dominant inheritance. Observed: 1 variant allele, 1 heterozygote.
Comment: This missense variant replaces valine with alanine at codon 1768 of the TSC2 protein. Computational prediction suggests that this variant may not impact protein structure and function (internally defined REVEL score threshold <= 0.5, PMID: 27666373). To our knowledge, functional studies have not been reported for this variant. This variant has not been reported in individuals affected with TSC2-related disorders in the literature. This variant has not been identified in the general population by the Genome Aggregation Database (gnomAD). The available evidence is insufficient to determine the role of this variant in disease conclusively. Therefore, this variant is classified as a Variant of Uncertain Significance.

This study involves interpretation of variants in research participants for the purpose of population health screening. Participant phenotype was not available at the time of variant classification. Additional details can be found in publication PMID: 35346344, PMCID: PMC8962531

Labcorp Genetics (formerly Invitae), Labcorp
Classification: Uncertain significance for Tuberous sclerosis 2. Last evaluated: 2023-06-18. Review status: criteria provided, single submitter. Criteria: Invitae Variant Classification Sherloc (09022015). Collection method: clinical testing. Allele origin: germline.
Comment: This sequence change replaces valine, which is neutral and non-polar, with alanine, which is neutral and non-polar, at codon 1768 of the TSC2 protein (p.Val1768Ala). This variant is not present in population databases (gnomAD no frequency). This variant has not been reported in the literature in individuals affected with TSC2-related conditions. ClinVar contains an entry for this variant (Variation ID: 1433456). Advanced modeling of protein sequence and biophysical properties (such as structural, functional, and spatial information, amino acid conservation, physicochemical variation, residue mobility, and thermodynamic stability) performed at Invitae indicates that this missense variant is not expected to disrupt TSC2 protein function. In summary, the available evidence is currently insufficient to determine the role of this variant in disease. Therefore, it has been classified as a Variant of Uncertain Significance.